The following is an entry in ClinVar:

ClinVar aggregate classification (germline): Benign. Review status: criteria provided, multiple submitters, no conflicts (2 of 4 stars). 4 submissions from 4 submitters: Benign (4). Last evaluated 2024-01-24.

Conditions:
Ataxia-telangiectasia syndrome (AT). Also called: LOUIS-BAR SYNDROME; Cerebello-oculocutaneous telangiectasia; Immunodeficiency with ataxia telangiectasia; Ataxia-telangiectasia, complementation group D; AT, COMPLEMENTATION GROUP C; ATAXIA-TELANGIECTASIA, COMPLEMENTATION GROUP A. Identifiers: Orphanet 100, MedGen C0004135, MONDO:0008840, OMIM 208900.

Allele frequency attached by ClinVar (database versions not stated): 1000 Genomes Project 30x 1.00000; TOPMed 0.99975; 1000 Genomes Project 1.00000.
gnomAD v4.1: 1,266,157 of 1,266,224 alleles (100%); highest among the groups gnomAD compares: Middle Eastern, 100%; 633,045 homozygotes.

Submissions (4):

Unidad de Genómica Garrahan, Hospital de Pediatría Garrahan
Classification: Benign. Last evaluated: 2024-01-24. Review status: criteria provided, single submitter. Criteria: ACMG Guidelines, 2015. Collection method: clinical testing. Allele origin: germline. Affected: no. Observed: 45 variant alleles.
Comment: This variant is classified as Benign based on local population frequency. This variant was detected in 47% of patients studied by a panel of primary immunodeficiencies. Number of patients: 45. Only high quality variants are reported.

Genome-Nilou Lab
Classification: Benign for Ataxia-telangiectasia syndrome. Last evaluated: 2021-07-14. Review status: criteria provided, single submitter. Criteria: ACMG Guidelines, 2015. Collection method: clinical testing. Allele origin: germline. Affected: no.

GeneDx
Classification: Benign. Last evaluated: 2015-03-03. Review status: criteria provided, single submitter. Criteria: GeneDx Variant Classification Process June 2021. Collection method: clinical testing. Allele origin: germline. Affected: yes.

Breakthrough Genomics
Classification: Benign. Review status: criteria provided, single submitter. Criteria: ACMG Guidelines, 2015. Collection method: not provided. Allele origin: germline. Inheritance: Autosomal recessive inheritance. Affected: yes.

NM_000051.4(ATM):c.8786+90G>A

Genes: ATM (ATM serine/threonine kinase; plus strand), C11orf65 (chromosome 11 open reading frame 65; minus strand). Cytogenetic location: 11q22.3.
Variant type: single nucleotide variant.
Coding change: c.8786+90G>A on transcript NM_000051.4 (MANE Select); 90 bases into the intron after coding-DNA position 8786, G replaced by A.
Molecular consequence: intron variant.
Genome position (GRCh38, 1-based): chr11:108,353,970, G>A. VCF-style: chr11-108353970-G-A. GRCh37 (hg19) VCF-style: chr11-108224697-G-A.
Other names: c.8786+90G>A (NM_001351834.2); c.640+31950C>T (NM_001330368.2); c.695-18678C>T (NM_001351110.2).
Identifiers: ClinVar variation 1192463 (VCV001192463.9), dbSNP rs179108, ClinGen allele CA228373629.